The following is an entry in ClinVar:

NM_080647.1(TBX1):c.-86-48C>G

Gene: TBX1 (T-box transcription factor 1; plus strand). Cytogenetic location: 22q11.21.
Variant type: single nucleotide variant.
Coding change: c.-86-48C>G on transcript NM_080647.1; 48 bases into the intron before 86 bases upstream of the start codon, C replaced by G.
Molecular consequence: intron variant.
Genome position (GRCh38, 1-based): chr22:19,759,510, C>G. VCF-style: chr22-19759510-C-G. GRCh37 (hg19) VCF-style: chr22-19747033-C-G.
Other names: c.-86-48C>G (NM_005992.1, NM_080646.2).
Identifiers: ClinVar variation 2652866 (VCV002652866.23), dbSNP rs72646948, ClinGen allele CA322050500.

ClinVar aggregate classification (germline): Benign/Likely benign. Review status: criteria provided, multiple submitters, no conflicts (2 of 4 stars). 2 submissions from 2 submitters: Benign (1); Likely benign (1). Last evaluated 2024-03-01.

Allele frequency attached by ClinVar (database versions not stated): gnomAD 0.00794; 1000 Genomes Project 30x 0.00562; 1000 Genomes Project 0.00419; TOPMed 0.00794.

Submissions (2):

CeGaT Center for Human Genetics Tuebingen
Classification: Benign. Last evaluated: 2024-03-01. Review status: criteria provided, single submitter. Criteria: CeGaT Center For Human Genetics Tuebingen Variant Classification Criteria Version 2. Collection method: clinical testing. Allele origin: germline. Affected: yes. Observed: 11 variant alleles.
Comment: TBX1: BS1, BS2

Blueprint Genetics
Classification: Likely benign. Last evaluated: 2018-06-11. Review status: criteria provided, single submitter. Criteria: ACMG Guidelines, 2015. Collection method: clinical testing. Allele origin: germline.